The following is an entry in ClinVar:

ClinVar aggregate classification (germline): Uncertain significance (1 of 4 stars; one submission).

Conditions:
Progressive myoclonic epilepsy type 5. Identifiers: Orphanet 402082, MedGen C5190799.

Allele frequency attached by ClinVar (database versions not stated): ExAC 0.00001; gnomAD exomes below 0.00001.
gnomAD v4.1: 6 of 1,599,052 alleles (0.00038%); highest among the groups gnomAD compares: South Asian, 0.0011%; no homozygotes.

Submission:

Labcorp Genetics (formerly Invitae), Labcorp
Classification: Uncertain significance for Progressive myoclonic epilepsy type 5. Last evaluated: 2021-04-06. Review status: criteria provided, single submitter. Criteria: Invitae Variant Classification Sherloc (09022015). Collection method: clinical testing. Allele origin: germline.
Comment: In summary, the available evidence is currently insufficient to determine the role of this variant in disease. Therefore, it has been classified as a Variant of Uncertain Significance. Algorithms developed to predict the effect of missense changes on protein structure and function are either unavailable or do not agree on the potential impact of this missense change (SIFT: "Deleterious"; PolyPhen-2: "Benign"; Align-GVGD: "Class C15"). This variant has not been reported in the literature in individuals with PRICKLE2-related conditions. This variant is present in population databases (rs780553569, ExAC 0.002%). This sequence change replaces arginine with cysteine at codon 728 of the PRICKLE2 protein (p.Arg728Cys). The arginine residue is moderately conserved and there is a large physicochemical difference between arginine and cysteine.

NM_198859.4(PRICKLE2):c.2182C>T (p.Arg728Cys)

Genes: PRICKLE2 (prickle planar cell polarity protein 2; minus strand), PRICKLE2-AS1 (PRICKLE2 antisense RNA 1; plus strand). Cytogenetic location: 3p14.1.
Variant type: single nucleotide variant.
Coding change: c.2182C>T on transcript NM_198859.4 (MANE Select); coding-DNA position 2182, C replaced by T.
Protein change: p.Arg728Cys; replaces arginine 728 with cysteine.
Molecular consequence: missense variant. On other transcripts: non-coding transcript variant (1).
Genome position (GRCh38, 1-based): chr3:64,099,404, G>A on the plus strand (C>T on the coding strand, the complement: PRICKLE2 is on the minus strand). VCF-style: chr3-64099404-G-A. GRCh37 (hg19) VCF-style: chr3-64085080-G-A.
Other names: c.2182C>T, p.Arg728Cys (NM_001370528.1); short protein forms R728C.
Identifiers: ClinVar variation 1523787 (VCV001523787.8), dbSNP rs780553569, ClinGen allele CA2479480.
Genomic context (GRCh38, chr3:64,099,404, plus strand): 5'-ACTGGCCGTACAGGTCCCTCCGGGACCCATGCCCCATGCTCTCCTGGAAGCTCCGCTGGC[G>A]CATAAATTGGTCATAGTCCTCCCTGGCTCTCAGAGGGGGCCTATCTTTTAACCGGGAGAT-3'
Protein context (NP_942559.1, residues 718-738): RAREDYDQFM[Arg728Cys]QRSFQESMGH